The following is an entry in ClinVar:

ClinVar aggregate classification (germline): Uncertain significance (1 of 4 stars; one submission).

Conditions:
Inborn genetic diseases. Identifiers: MedGen C0950123, MeSH D030342.

Submission:

Ambry Genetics
Classification: Uncertain significance for Inborn genetic diseases. Last evaluated: 2024-04-24. Review status: criteria provided, single submitter. Criteria: Ambry Variant Classification Scheme 2023. Collection method: clinical testing. Allele origin: germline.
Comment: The p.E1665D variant (also known as c.4995A>C), located in coding exon 34 of the LRRK2 gene, results from an A to C substitution at nucleotide position 4995. The glutamic acid at codon 1665 is replaced by aspartic acid, an amino acid with highly similar properties. This amino acid position is conserved. In addition, this alteration is predicted to be tolerated by in silico analysis. Based on the available evidence, the clinical significance of this variant remains unclear.

NM_198578.4(LRRK2):c.4995A>C (p.Glu1665Asp)

Gene: LRRK2 (leucine rich repeat kinase 2; plus strand). Cytogenetic location: 12q12.
Variant type: single nucleotide variant.
Coding change: c.4995A>C on transcript NM_198578.4 (MANE Select); coding-DNA position 4995, A replaced by C.
Protein change: p.Glu1665Asp; replaces glutamic acid 1665 with aspartic acid.
Molecular consequence: missense variant.
Genome position (GRCh38, 1-based): chr12:40,320,155, A>C. VCF-style: chr12-40320155-A-C. GRCh37 (hg19) VCF-style: chr12-40713957-A-C.
Other names: short protein forms E1665D.
Identifiers: ClinVar variation 3291976 (VCV003291976.1).
Genomic context (GRCh38, chr12:40,320,155, plus strand): 5'-CATGTCACAGTATTTTAAGCTCCTAGAAAAATTCCAGATTGCTTTGCCAATAGGAGAAGA[A>C]TATTTGCTGGTTCCAAGCAGGTAAAGAAAACCTTAAAAAATTAATTGCTACATGGAAATT-3'
Protein context (NP_940980.4, residues 1655-1675): KFQIALPIGE[Glu1665Asp]YLLVPSSLSD